The following is an entry in ClinVar:

ClinVar aggregate classification (germline): Likely benign. Review status: criteria provided, multiple submitters, no conflicts (2 of 4 stars). 2 submissions from 2 submitters: Likely benign (2). Last evaluated 2026-02-01.

Conditions:
Jeune thoracic dystrophy. Also called: Jeune syndrome; Infantile thoracic dystrophy; Thoracic pelvic phalangeal dystrophy; Jeune's syndrome; Chondroectodermal dysplasia-like syndrome; Short-rib thoracic dysplasia. Identifiers: Orphanet 474, MedGen C0265275, MONDO:0018770.

Submissions (2):

Labcorp Genetics (formerly Invitae), Labcorp
Classification: Likely benign for Jeune thoracic dystrophy. Last evaluated: 2026-02-01. Review status: criteria provided, single submitter. Criteria: Invitae Variant Classification Sherloc (09022015). Collection method: clinical testing. Allele origin: germline.

GeneDx
Classification: Likely benign. Last evaluated: 2017-03-24. Review status: criteria provided, single submitter. Criteria: GeneDx Variant Classification (06012015). Collection method: clinical testing. Allele origin: germline. Affected: yes.
Comment: This variant is considered likely benign or benign based on one or more of the following criteria: it is a conservative change, it occurs at a poorly conserved position in the protein, it is predicted to be benign by multiple in silico algorithms, and/or has population frequency not consistent with disease.

NM_001377.3(DYNC2H1):c.12366+7_12366+8delinsAG

Gene: DYNC2H1 (dynein cytoplasmic 2 heavy chain 1; plus strand). Cytogenetic location: 11q22.3.
Variant type: Indel.
Coding change: c.12366+7_12366+8delinsAG on transcript NM_001377.3 (MANE Select); bases 7 to 8 of the intron after coding-DNA position 12366, GA replaced by AG.
Molecular consequence: intron variant.
Genome position (GRCh38, 1-based): chr11:103,399,879-103,399,880, GA replaced by AG. VCF-style: chr11-103399879-GA-AG. GRCh37 (hg19) VCF-style: chr11-103270607-GA-AG.
Other names: c.12387+7_12387+8delinsAG (NM_001080463.2).
Identifiers: ClinVar variation 508395 (VCV000508395.9), dbSNP rs1555119964, ClinGen allele CA658797720.